The following is an entry in ClinVar:

ClinVar aggregate classification (germline): Uncertain significance. Review status: criteria provided, multiple submitters, no conflicts (2 of 4 stars). 3 submissions from 3 submitters: Uncertain significance (3). Last evaluated 2020-09-22.

Conditions:
Deficiency of isobutyryl-CoA dehydrogenase. Also called: ACYL-CoA DEHYDROGENASE FAMILY, MEMBER 8, DEFICIENCY OF; IBD DEFICIENCY; ACAD8 DEFICIENCY. Identifiers: Orphanet 79159, MedGen C1969809, MONDO:0012648, OMIM 611283.

Allele frequency attached by ClinVar (database versions not stated): gnomAD 0.00001; TOPMed 0.00002; gnomAD exomes 0.00003; ESP Exome Variant Server 0.00008.
gnomAD v4.1: 44 of 1,612,418 alleles (0.0027%); highest among the groups gnomAD compares: Non-Finnish European, 0.0035%; no homozygotes.

Submissions (3):

Revvity Omics, Revvity
Classification: Uncertain significance for Deficiency of isobutyryl-CoA dehydrogenase. Last evaluated: 2020-09-22. Review status: criteria provided, single submitter. Criteria: ACMG Guidelines, 2015. Collection method: clinical testing. Allele origin: germline.

Labcorp Genetics (formerly Invitae), Labcorp
Classification: Uncertain significance for Deficiency of isobutyryl-CoA dehydrogenase. Last evaluated: 2019-09-18. Review status: criteria provided, single submitter. Criteria: Invitae Variant Classification Sherloc (09022015). Collection method: clinical testing. Allele origin: germline.
Comment: This sequence change replaces alanine with valine at codon 269 of the ACAD8 protein (p.Ala269Val). The alanine residue is highly conserved and there is a small physicochemical difference between alanine and valine. This variant is not present in population databases (ExAC no frequency). In summary, the available evidence is currently insufficient to determine the role of this variant in disease. Therefore, it has been classified as a Variant of Uncertain Significance. Algorithms developed to predict the effect of missense changes on protein structure and function are either unavailable or do not agree on the potential impact of this missense change (SIFT: "Deleterious"; PolyPhen-2: "Probably Damaging"; Align-GVGD: "Class C0"). This variant has not been reported in the literature in individuals with ACAD8-related conditions.

Illumina Laboratory Services, Illumina
Classification: Uncertain significance for Deficiency of isobutyryl-CoA dehydrogenase. Last evaluated: 2018-01-12. Review status: criteria provided, single submitter. Criteria: ICSL Variant Classification Criteria 13 December 2019. Collection method: clinical testing. Allele origin: germline.

NM_014384.3(ACAD8):c.806C>T (p.Ala269Val)

Gene: ACAD8 (acyl-CoA dehydrogenase family member 8; plus strand). Cytogenetic location: 11q25.
Variant type: single nucleotide variant.
Coding change: c.806C>T on transcript NM_014384.3 (MANE Select); coding-DNA position 806, C replaced by T.
Protein change: p.Ala269Val; replaces alanine 269 with valine.
Molecular consequence: missense variant.
Genome position (GRCh38, 1-based): chr11:134,261,144, C>T. VCF-style: chr11-134261144-C-T. GRCh37 (hg19) VCF-style: chr11-134131038-C-T.
Other names: short protein forms A269V.
Identifiers: ClinVar variation 878974 (VCV000878974.15), dbSNP rs142790411, ClinGen allele CA231278115.